The following is an entry in ClinVar:

ClinVar aggregate classification (germline): Likely pathogenic (1 of 4 stars; one submission).

Conditions:
Nemaline myopathy 2 (NEM2). Also called: Nemaline myopathy 2, autosomal recessive. Identifiers: MedGen C1850569, MONDO:0009725, OMIM 256030.

Submission:

Natera, Inc.
Classification: Likely pathogenic for Nemaline myopathy type 2. Last evaluated: 2025-12-16. Review status: criteria provided, single submitter. Criteria: Natera Variant Classification Schema (03/2026). Collection method: clinical testing. Allele origin: germline.
Comment: The c.16797_16799delinsAG variant in NEB is a frameshift variant predicted to shift the reading frame beginning at codon 5599 and leads to a stop codon 13 codons downstream. This variant is expected to result in nonsense mediated decay, truncation, or a dysfunctional protein product. This variant is rare in the general population with a frequency below the threshold expected for the associated phenotype(s). Given the available evidence, this variant is classified as Likely Pathogenic.

NM_001164508.2(NEB):c.16797_16799delinsAG (p.Asn5599fs)

Gene: NEB (nebulin; minus strand). Cytogenetic location: 2q23.3.
Variant type: Indel.
Coding change: c.16797_16799delinsAG on transcript NM_001164508.2 (MANE Select); coding-DNA positions 16797 to 16799, TAT replaced by AG.
Protein change: p.Asn5599fs; shifts the reading frame from asparagine 5599.
Molecular consequence: frameshift variant.
Genome position (GRCh38, 1-based): chr2:151,576,260-151,576,262, ATA replaced by CT on the plus strand (TAT replaced by AG on the coding strand, the reverse complement: NEB is on the minus strand). VCF-style: chr2-151576260-ATA-CT. GRCh37 (hg19) VCF-style: chr2-152432774-ATA-CT.
Other names: c.16797_16799delinsAG, p.Asn5599fs (NM_001164507.2, NM_001271208.2); c.16797_16799delTATinsAG, p.Asn5599Lysfs (NM_001271208.1); c.11694_11696delinsAG, p.Asn3898fs (NM_004543.5); short protein forms N3898fs, N5599fs.
Identifiers: ClinVar variation 4814730 (VCV004814730.1).